The following is an entry in ClinVar:

NM_000038.6(APC):c.2195A>G (p.Asn732Ser)

Gene: APC (APC regulator of Wnt signaling pathway; plus strand). Cytogenetic location: 5q22.2.
Variant type: single nucleotide variant.
Coding change: c.2195A>G on transcript NM_000038.6 (MANE Select); coding-DNA position 2195, A replaced by G.
Protein change: p.Asn732Ser; replaces asparagine 732 with serine.
Molecular consequence: missense variant.
Genome position (GRCh38, 1-based): chr5:112,837,789, A>G. VCF-style: chr5-112837789-A-G. GRCh37 (hg19) VCF-style: chr5-112173486-A-G.
Other names: c.2195A>G, p.Asn732Ser (NM_001127510.3, NM_001354895.2); c.2141A>G, p.Asn714Ser (NM_001127511.3); c.2249A>G, p.Asn750Ser (NM_001354896.2); c.2225A>G, p.Asn742Ser (NM_001354897.2); c.2120A>G, p.Asn707Ser (NM_001354898.2); c.2111A>G, p.Asn704Ser (NM_001354899.2); c.2072A>G, p.Asn691Ser (NM_001354900.2); c.2018A>G, p.Asn673Ser (NM_001354901.2); and 5 more; short protein forms N572S, N641S, N606S, N732S, N742S, N750S, N673S, N691S.
Identifiers: ClinVar variation 820866 (VCV000820866.6), dbSNP rs1580619202, ClinGen allele CA16026141.
Genomic context (GRCh38, chr5:112,837,789, plus strand): 5'-ATTCAAAGCACAAAATGATTGCTATGGGAAGTGCTGCAGCTTTAAGGAATCTCATGGCAA[A>G]TAGGCCTGCGAAGTACAAGGATGCCAATATTATGTCTCCTGGCTCAAGCTTGCCATCTCT-3'
Protein context (NP_000029.2, residues 722-742): SAAALRNLMA[Asn732Ser]RPAKYKDANI

ClinVar aggregate classification (germline): Uncertain significance. Review status: criteria provided, multiple submitters, no conflicts (2 of 4 stars). 2 submissions from 2 submitters: Uncertain significance (2). Last evaluated 2024-02-27.

Conditions:
Hereditary cancer-predisposing syndrome. Also called: Neoplastic Syndromes, Hereditary; Tumor predisposition; Hereditary Cancer Syndrome; Hereditary neoplastic syndrome. Identifiers: Orphanet 140162, MedGen C0027672, MeSH D009386, MONDO:0015356.
Familial adenomatous polyposis 1 (FAP1). Also called: FAMILIAL ADENOMATOUS POLYPOSIS 1, ATTENUATED; POLYPOSIS, ADENOMATOUS INTESTINAL. Identifiers: MedGen C2713442, MONDO:0021056, OMIM 175100. Disease mechanism: loss of function.

Submissions (2):

Labcorp Genetics (formerly Invitae), Labcorp
Classification: Uncertain significance for Familial adenomatous polyposis 1. Last evaluated: 2024-02-27. Review status: criteria provided, single submitter. Criteria: Invitae Variant Classification Sherloc (09022015). Collection method: clinical testing. Allele origin: germline.
Comment: This sequence change replaces asparagine, which is neutral and polar, with serine, which is neutral and polar, at codon 732 of the APC protein (p.Asn732Ser). This variant is not present in population databases (gnomAD no frequency). This variant has not been reported in the literature in individuals affected with APC-related conditions. ClinVar contains an entry for this variant (Variation ID: 820866). Advanced modeling of protein sequence and biophysical properties (such as structural, functional, and spatial information, amino acid conservation, physicochemical variation, residue mobility, and thermodynamic stability) performed at Invitae indicates that this missense variant is not expected to disrupt APC protein function with a negative predictive value of 95%. In summary, the available evidence is currently insufficient to determine the role of this variant in disease. Therefore, it has been classified as a Variant of Uncertain Significance.

Ambry Genetics
Classification: Uncertain significance for Hereditary cancer-predisposing syndrome. Last evaluated: 2018-10-04. Review status: criteria provided, single submitter. Criteria: Ambry Variant Classification Scheme 2023. Collection method: clinical testing. Allele origin: germline.
Comment: The p.N732S variant (also known as c.2195A>G), located in coding exon 15 of the APC gene, results from an A to G substitution at nucleotide position 2195. The asparagine at codon 732 is replaced by serine, an amino acid with highly similar properties. This amino acid position is highly conserved in available vertebrate species. In addition, in silico predictors for this gene do not accurately predict pathogenicity. Since supporting evidence is limited at this time, the clinical significance of this alteration remains unclear.